The following is an entry in ClinVar:

NM_002474.3(MYH11):c.57C>T (p.Asn19=)

Gene: MYH11 (myosin heavy chain 11; minus strand). Cytogenetic location: 16p13.11.
Variant type: single nucleotide variant.
Coding change: c.57C>T on transcript NM_002474.3 (MANE Select); coding-DNA position 57, C replaced by T.
Protein change: p.Asn19=; no amino-acid change (asparagine 19 retained).
Molecular consequence: synonymous variant.
Genome position (GRCh38, 1-based): chr16:15,838,196, G>A on the plus strand (C>T on the coding strand, the complement: MYH11 is on the minus strand). VCF-style: chr16-15838196-G-A. GRCh37 (hg19) VCF-style: chr16-15932053-G-A.
Other names: c.57C>T, p.Asn19= (NM_001040113.2, NM_001040114.2, NM_022844.3).
Identifiers: ClinVar variation 379588 (VCV000379588.22), dbSNP rs148464745, ClinGen allele CA7923127.

ClinVar aggregate classification (germline): Benign/Likely benign. Review status: criteria provided, multiple submitters, no conflicts (2 of 4 stars). 9 submissions from 9 submitters: Benign (3); Likely benign (4). 2 of the submissions do not count toward it. Last evaluated 2026-09-01.

Conditions:
Aortic aneurysm, familial thoracic 4 (AAT4). Also called: AORTIC ANEURYSM/AORTIC DISSECTION AND PATENT DUCTUS ARTERIOSUS. Identifiers: MedGen C1851504, MONDO:0007568, OMIM 132900.
Familial thoracic aortic aneurysm and aortic dissection (TAAD). Also called: Thoracic aortic aneurysms and dissections. Identifiers: Orphanet 91387, MedGen C4707243, MONDO:0019625.

Allele frequency attached by ClinVar (database versions not stated): ExAC 0.00034; 1000 Genomes Project 30x 0.00062; 1000 Genomes Project 0.00080; ESP Exome Variant Server 0.00100; gnomAD 0.00101 and 0.00111; TOPMed 0.00130.
gnomAD v4.1: 312 of 1,614,148 alleles (0.019%); highest among the groups gnomAD compares: African/African-American, 0.35%; 1 homozygote.

Submissions (9):

CeGaT Center for Human Genetics Tuebingen
Classification: Likely benign. Last evaluated: 2026-09-01. Review status: criteria provided, single submitter. Criteria: CeGaT Center For Human Genetics Tuebingen Variant Classification Criteria Version 2. Collection method: clinical testing. Allele origin: germline. Affected: yes. Observed: 2 variant alleles.
Comment: MYH11: BP4, BP7

Labcorp Genetics (formerly Invitae), Labcorp
Classification: Benign for Aortic aneurysm, familial thoracic 4. Last evaluated: 2026-01-07. Review status: criteria provided, single submitter. Criteria: Invitae Variant Classification Sherloc (09022015). Collection method: clinical testing. Allele origin: germline.

All of Us Research Program, National Institutes of Health
Classification: Likely benign for Familial thoracic aortic aneurysm and aortic dissection. Last evaluated: 2024-02-05. Review status: criteria provided, single submitter. Criteria: ACMG Guidelines, 2015. Collection method: clinical testing. Allele origin: germline. Inheritance: Autosomal dominant inheritance. Observed: 59 variant alleles, 59 heterozygotes.
Comment: This study involves interpretation of variants in research participants for the purpose of population health screening. Participant phenotype was not available at the time of variant classification. Additional details can be found in publication PMID: 35346344, PMCID: PMC8962531

Women's Health and Genetics/Laboratory Corporation of America, LabCorp
Classification: Benign. Last evaluated: 2019-06-17. Review status: criteria provided, single submitter. Criteria: LabCorp Variant Classification Summary - May 2015. Collection method: clinical testing. Allele origin: germline.
Comment: Variant summary: MYH11 c.57C>T results in a synonymous change. 5/5 computational tools predict no significant impact on normal splicing. However, these predictions have yet to be confirmed by functional studies. The variant allele was found at a frequency of 0.00025 in 249778 control chromosomes, predominantly at a frequency of 0.0037 within the African or African-American subpopulation in the gnomAD database. The observed variant frequency within African or African-American control individuals in the gnomAD database is approximately 2960 fold of the estimated maximal expected allele frequency for a pathogenic variant in MYH11 causing Aortopathy phenotype (1.3e-06), strongly suggesting that the variant is a benign polymorphism found primarily in populations of African or African-American origin. To our knowledge, no occurrence of c.57C>T in individuals affected with Aortopathy and no experimental evidence demonstrating its impact on protein function have been reported. Four clinical diagnostic laboratories have submitted clinical-significance assessments for this variant to ClinVar after 2014 without evidence for independent evaluation. All laboratories classified the variant as benign/likely benign. Based on the evidence outlined above, the variant was classified as benign.

Color Diagnostics, LLC DBA Color Health
Classification: Likely benign for Familial thoracic aortic aneurysm and aortic dissection. Last evaluated: 2018-04-13. Review status: criteria provided, single submitter. Criteria: ACMG Guidelines, 2015. Collection method: clinical testing. Allele origin: germline.

Ambry Genetics
Classification: Likely benign for Familial thoracic aortic aneurysm and aortic dissection. Last evaluated: 2017-06-06. Review status: criteria provided, single submitter. Criteria: Ambry Variant Classification Scheme 2023. Collection method: clinical testing. Allele origin: germline.

GeneDx
Classification: Benign. Last evaluated: 2015-07-21. Review status: criteria provided, single submitter. Criteria: GeneDx Variant Classification (06012015). Collection method: clinical testing. Allele origin: germline. Affected: yes.
Comment: This variant is considered likely benign or benign based on one or more of the following criteria: it is a conservative change, it occurs at a poorly conserved position in the protein, it is predicted to be benign by multiple in silico algorithms, and/or has population frequency not consistent with disease.

Clinical Genetics DNA and cytogenetics Diagnostics Lab, Erasmus MC, Erasmus Medical Center
Classification: Likely benign. Review status: no assertion criteria provided. Collection method: clinical testing. Allele origin: germline. Affected: yes. Study: VKGL Data-share Consensus. Not counted in ClinVar's aggregate classification.

Genome Diagnostics Laboratory, University Medical Center Utrecht
Classification: Likely benign. Review status: no assertion criteria provided. Collection method: clinical testing. Allele origin: germline. Affected: yes. Study: VKGL Data-share Consensus. Not counted in ClinVar's aggregate classification.